The following is an entry in ClinVar:

NM_000533.5(PLP1):c.453+1G>T

Genes: RAB9B (RAB9B, member RAS oncogene family; minus strand), PLP1 (proteolipid protein 1; plus strand). Cytogenetic location: Xq22.2.
Variant type: single nucleotide variant.
Coding change: c.453+1G>T on transcript NM_000533.5 (MANE Select); the canonical splice donor site of the intron after coding-DNA position 453, G replaced by T.
Molecular consequence: splice donor variant. On other transcripts: intron variant (1).
Genome position (GRCh38, 1-based): chrX:103,786,727, G>T. VCF-style: chrX-103786727-G-T. GRCh37 (hg19) VCF-style: chrX-103041656-G-T.
Other names: c.453+1G>T (NM_001128834.3); c.348+106G>T (NM_199478.3); c.288+1G>T (NM_001305004.1).
Identifiers: ClinVar variation 1483024 (VCV001483024.8), dbSNP rs113345335, ClinGen allele CA334001176.

ClinVar aggregate classification (germline): Likely pathogenic (1 of 4 stars; one submission).

Conditions:
Hereditary spastic paraplegia 2 (SPG2). Also called: Spastic Paraplegia 2 (SPG2); SPASTIC PARAPLEGIA 2, X-LINKED. Identifiers: Orphanet 99015, MedGen C0751604, MONDO:0010733, OMIM 312920.

Submission:

Labcorp Genetics (formerly Invitae), Labcorp
Classification: Likely pathogenic for Hereditary spastic paraplegia 2. Last evaluated: 2021-04-04. Review status: criteria provided, single submitter. Criteria: Invitae Variant Classification Sherloc (09022015). Collection method: clinical testing. Allele origin: germline.
Comment: In summary, the currently available evidence indicates that the variant is pathogenic, but additional data are needed to prove that conclusively. Therefore, this variant has been classified as Likely Pathogenic. This variant has been observed in individual(s) with clinical features of PLP1-related condition (Invitae). This variant is not present in population databases (ExAC no frequency). This sequence change affects a donor splice site in intron 3 of the PLP1 gene. It is expected to disrupt RNA splicing. Variants that disrupt the donor or acceptor splice site typically lead to a loss of protein function (PMID: 16199547), and loss-of-function variants in PLP1 are known to be pathogenic (PMID: 18470932).

Literature cited by the submitters: PubMed 16199547; PubMed 18470932.